The following is an entry in ClinVar:

NM_004329.3(BMPR1A):c.993G>A (p.Leu331=)

Gene: BMPR1A (bone morphogenetic protein receptor type 1A; plus strand). Cytogenetic location: 10q23.2.
Variant type: single nucleotide variant.
Coding change: c.993G>A on transcript NM_004329.3 (MANE Select); coding-DNA position 993, G replaced by A.
Protein change: p.Leu331=; no amino-acid change (leucine 331 retained).
Molecular consequence: synonymous variant.
Genome position (GRCh38, 1-based): chr10:86,919,296, G>A. VCF-style: chr10-86919296-G-A. GRCh37 (hg19) VCF-style: chr10-88679053-G-A.
Identifiers: ClinVar variation 186278 (VCV000186278.17), dbSNP rs786202827, ClinGen allele CA194329.

ClinVar aggregate classification (germline): Benign/Likely benign. Review status: criteria provided, multiple submitters, no conflicts (2 of 4 stars). 5 submissions from 5 submitters: Benign (1); Likely benign (3). 1 of the submissions does not count toward it. Last evaluated 2025-02-03.

Conditions:
Hereditary cancer-predisposing syndrome. Also called: Hereditary Cancer Syndrome; Neoplastic Syndromes, Hereditary; Tumor predisposition; Hereditary neoplastic syndrome. Identifiers: Orphanet 140162, MedGen C0027672, MeSH D009386, MONDO:0015356.
Juvenile polyposis syndrome (JPS). Identifiers: Orphanet 2929, MedGen C0345893, MONDO:0017380, OMIM 174900.

Allele frequency attached by ClinVar (database versions not stated): gnomAD exomes below 0.00001.
gnomAD v4.1: 4 of 1,613,914 alleles (0.00025%); highest among the groups gnomAD compares: African/African-American, 0.0013%; no homozygotes.

Submissions (5):

Color Diagnostics, LLC DBA Color Health
Classification: Likely benign for Hereditary cancer-predisposing syndrome. Last evaluated: 2025-02-03. Review status: criteria provided, single submitter. Criteria: ACMG Guidelines, 2015. Collection method: clinical testing. Allele origin: germline.

Labcorp Genetics (formerly Invitae), Labcorp
Classification: Likely benign for Juvenile polyposis syndrome. Last evaluated: 2024-06-03. Review status: criteria provided, single submitter. Criteria: Invitae Variant Classification Sherloc (09022015). Collection method: clinical testing. Allele origin: germline.

Myriad Genetics, Inc.
Classification: Benign for Juvenile polyposis syndrome. Last evaluated: 2023-03-02. Review status: criteria provided, single submitter. Criteria: Myriad Autosomal Dominant, Autosomal Recessive and X-Linked Classification Criteria (2023). Collection method: clinical testing. Allele origin: unknown.
Comment: This variant is considered benign. This variant is a silent/synonymous amino acid change and it is not expected to impact splicing.

Ambry Genetics
Classification: Likely benign for Hereditary cancer-predisposing syndrome. Last evaluated: 2014-09-29. Review status: criteria provided, single submitter. Criteria: Ambry Variant Classification Scheme 2023. Collection method: clinical testing. Allele origin: germline.

Counsyl
Classification: Likely benign for Juvenile polyposis syndrome. Last evaluated: 2016-07-25. Review status: no assertion criteria provided. Collection method: clinical testing. Allele origin: unknown. Not counted in ClinVar's aggregate classification.